The following is an entry in ClinVar:

NM_000138.5(FBN1):c.7038C>T (p.Asn2346=)

Gene: FBN1 (fibrillin 1; minus strand). Cytogenetic location: 15q21.1.
Variant type: single nucleotide variant.
Coding change: c.7038C>T on transcript NM_000138.5 (MANE Select); coding-DNA position 7038, C replaced by T.
Protein change: p.Asn2346=; no amino-acid change (asparagine 2346 retained).
Molecular consequence: synonymous variant.
Genome position (GRCh38, 1-based): chr15:48,427,733, G>A on the plus strand (C>T on the coding strand, the complement: FBN1 is on the minus strand). VCF-style: chr15-48427733-G-A. GRCh37 (hg19) VCF-style: chr15-48719930-G-A.
Other names: c.7038C>T, p.Asn2346= (NM_001406716.1).
Identifiers: ClinVar variation 3073264 (VCV003073264.1), dbSNP rs2505412730, ClinGen allele CA490017704.

ClinVar aggregate classification (germline): Uncertain significance (1 of 4 stars; one submission).

Conditions:
Marfan syndrome (MFS). Also called: MARFAN SYNDROME, TYPE I; Marfan syndrome type 1; Marfan's syndrome; Marfan syndrome, classic; FBN1-Related Marfan Syndrome. Identifiers: Orphanet 284963, Orphanet 558, MedGen C0024796, MONDO:0007947, OMIM 154700.

Allele frequency attached by ClinVar (database versions not stated): gnomAD exomes below 0.00001.
gnomAD v4.1: 1 of 1,614,062 alleles (0.000062%); highest among the groups gnomAD compares: Non-Finnish European, 0.000085%; no homozygotes.

Submission:

All of Us Research Program, National Institutes of Health
Classification: Uncertain significance for Marfan syndrome. Last evaluated: 2023-08-28. Review status: criteria provided, single submitter. Criteria: ACMG Guidelines, 2015. Collection method: clinical testing. Allele origin: germline. Inheritance: Autosomal dominant inheritance. Observed: 1 variant allele, 1 heterozygote.
Comment: This variant is located in the FBN1 protein. To our knowledge, functional studies have not been reported for this variant. This variant has not been reported in individuals affected with FBN1-related disorders in the literature. This variant has not been identified in the general population by the Genome Aggregation Database (gnomAD). The available evidence is insufficient to determine the role of this variant in disease conclusively. Therefore, this variant is classified as a Variant of Uncertain Significance.

This study involves interpretation of variants in research participants for the purpose of population health screening. Participant phenotype was not available at the time of variant classification. Additional details can be found in publication PMID: 35346344, PMCID: PMC8962531